The following is an entry in ClinVar:

ClinVar aggregate classification (germline): Uncertain significance (1 of 4 stars; one submission).

Submission:

Ambry Genetics
Classification: Uncertain significance. Last evaluated: 2023-03-30. Review status: criteria provided, single submitter. Criteria: Ambry Variant Classification Scheme 2023. Collection method: clinical testing. Allele origin: germline.
Comment: The p.I507V variant (also known as c.1519A>G), located in coding exon 13 of the NPAT gene, results from an A to G substitution at nucleotide position 1519. The isoleucine at codon 507 is replaced by valine, an amino acid with highly similar properties. This amino acid position is conserved. In addition, this alteration is predicted to be tolerated by in silico analysis. Since supporting evidence is limited at this time, the clinical significance of this alteration remains unclear.

NM_002519.3(NPAT):c.1519A>G (p.Ile507Val)

Gene: NPAT (nuclear protein, coactivator of histone transcription; minus strand). Cytogenetic location: 11q22.3.
Variant type: single nucleotide variant.
Coding change: c.1519A>G on transcript NM_002519.3 (MANE Select); coding-DNA position 1519, A replaced by G.
Protein change: p.Ile507Val; replaces isoleucine 507 with valine.
Molecular consequence: missense variant.
Genome position (GRCh38, 1-based): chr11:108,173,465, T>C on the plus strand (A>G on the coding strand, the complement: NPAT is on the minus strand). VCF-style: chr11-108173465-T-C. GRCh37 (hg19) VCF-style: chr11-108044192-T-C.
Other names: c.1519A>G, p.Ile507Val (NM_001321307.1); short protein forms I507V.
Identifiers: ClinVar variation 2567962 (VCV002567962.2), dbSNP rs2496720977, ClinGen allele CA382514957.